The following is an entry in ClinVar:

ClinVar aggregate classification (germline): Conflicting classifications of pathogenicity. Review status: criteria provided, conflicting classifications (1 of 4 stars). 6 submissions from 5 submitters: Uncertain significance (1); Likely benign (5). Last evaluated 2025-12-08.

Conditions:
Autosomal dominant nonsyndromic hearing loss 12. Also called: DEAFNESS, AUTOSOMAL DOMINANT 8. Identifiers: Orphanet 90635, MedGen C1832187, MONDO:0011102, OMIM 601543.
Autosomal recessive nonsyndromic hearing loss 21. Identifiers: Orphanet 90636, MedGen C1863655, MONDO:0011351, OMIM 603629.

Allele frequency attached by ClinVar (database versions not stated): gnomAD 0.00003; TOPMed 0.00025; 1000 Genomes Project 30x 0.00031; gnomAD exomes 0.00036; 1000 Genomes Project 0.00040.
gnomAD v4.1: 330 of 1,614,088 alleles (0.02%); highest among the groups gnomAD compares: Admixed American, 0.13%; 1 homozygote.

Submissions (6):

Labcorp Genetics (formerly Invitae), Labcorp
Classification: Likely benign. Last evaluated: 2025-12-08. Review status: criteria provided, single submitter. Criteria: Invitae Variant Classification Sherloc (09022015). Collection method: clinical testing. Allele origin: germline.

Blueprint Genetics
Classification: Likely benign. Last evaluated: 2024-09-24. Review status: criteria provided, single submitter. Criteria: ACMG Guidelines, 2015. Collection method: clinical testing. Allele origin: germline.

GeneDx
Classification: Likely benign. Last evaluated: 2021-04-13. Review status: criteria provided, single submitter. Criteria: GeneDx Variant Classification Process June 2021. Collection method: clinical testing. Allele origin: germline. Affected: yes.

Athena Diagnostics
Classification: Likely benign. Last evaluated: 2018-11-12. Review status: criteria provided, single submitter. Criteria: Athena Diagnostics Criteria. Collection method: clinical testing. Allele origin: germline.

Illumina Laboratory Services, Illumina
Classification: Uncertain significance for Autosomal recessive nonsyndromic hearing loss 21. Last evaluated: 2018-01-12. Review status: criteria provided, single submitter. Criteria: ICSL Variant Classification Criteria 13 December 2019. Collection method: clinical testing. Allele origin: germline.

Illumina Laboratory Services, Illumina
Classification: Likely benign for Autosomal dominant nonsyndromic hearing loss 12. Last evaluated: 2018-01-12. Review status: criteria provided, single submitter. Criteria: ICSL Variant Classification Criteria 13 December 2019. Collection method: clinical testing. Allele origin: germline.
Comment: This variant was observed in the ICSL laboratory as part of a predisposition screen in an ostensibly healthy population. It had not been previously curated by ICSL or reported in the Human Gene Mutation Database (HGMD: prior to June 1st, 2018), and was therefore a candidate for classification through an automated scoring system. Utilizing variant allele frequency, disease prevalence and penetrance estimates, and inheritance mode, an automated score was calculated to assess if this variant is too frequent to cause the disease. Based on the score and internal cut-off values, a variant classified as likely benign is not then subjected to further curation. The score for this variant resulted in a classification of likely benign for this disease.

NM_005422.4(TECTA):c.1794G>C (p.Pro598=)

Genes: TBCEL-TECTA (TBCEL-TECTA readthrough; plus strand), TECTA (tectorin alpha; plus strand). Cytogenetic location: 11q23.3.
Variant type: single nucleotide variant.
Coding change: c.1794G>C on transcript NM_005422.4 (MANE Select); coding-DNA position 1794, G replaced by C.
Protein change: p.Pro598=; no amino-acid change (proline 598 retained).
Molecular consequence: synonymous variant.
Genome position (GRCh38, 1-based): chr11:121,127,771, G>C. VCF-style: chr11-121127771-G-C. GRCh37 (hg19) VCF-style: chr11-120998480-G-C.
Other names: c.2751G>C, p.Pro917= (NM_001378761.1).
Identifiers: ClinVar variation 303002 (VCV000303002.13), dbSNP rs570667892, ClinGen allele CA6326855.